The following is an entry in ClinVar:

ClinVar aggregate classification (germline): Uncertain significance (1 of 4 stars; one submission).

Submission:

Labcorp Genetics (formerly Invitae), Labcorp
Classification: Uncertain significance. Last evaluated: 2022-08-05. Review status: criteria provided, single submitter. Criteria: Invitae Variant Classification Sherloc (09022015). Collection method: clinical testing. Allele origin: germline.
Comment: This variant is not present in population databases (gnomAD no frequency). This sequence change replaces proline, which is neutral and non-polar, with alanine, which is neutral and non-polar, at codon 507 of the PCDH15 protein (p.Pro507Ala). This variant has not been reported in the literature in individuals affected with PCDH15-related conditions. Algorithms developed to predict the effect of missense changes on protein structure and function are either unavailable or do not agree on the potential impact of this missense change (SIFT: "Deleterious"; PolyPhen-2: "Probably Damaging"; Align-GVGD: "Class C0"). In summary, the available evidence is currently insufficient to determine the role of this variant in disease. Therefore, it has been classified as a Variant of Uncertain Significance.

NM_001384140.1(PCDH15):c.1519C>G (p.Pro507Ala)

Gene: PCDH15 (protocadherin related 15; minus strand). Cytogenetic location: 10q21.1.
Variant type: single nucleotide variant.
Coding change: c.1519C>G on transcript NM_001384140.1 (MANE Select); coding-DNA position 1519, C replaced by G.
Protein change: p.Pro507Ala; replaces proline 507 with alanine.
Molecular consequence: missense variant.
Genome position (GRCh38, 1-based): chr10:54,183,515, G>C on the plus strand (C>G on the coding strand, the complement: PCDH15 is on the minus strand). VCF-style: chr10-54183515-G-C. GRCh37 (hg19) VCF-style: chr10-55943275-G-C.
Other names: c.1534C>G, p.Pro512Ala (NM_001142763.2, NM_001142771.2); c.1519C>G, p.Pro507Ala (NM_001142764.2, NM_001142765.2, NM_001142766.2 and 6 more transcripts); c.1408C>G, p.Pro470Ala (NM_001142767.2); c.1453C>G, p.Pro485Ala (NM_001142768.2, NM_001142773.2, NM_001354404.2); c.1555C>G, p.Pro519Ala (NM_001142769.4); c.1540C>G, p.Pro514Ala (NM_001354411.2); short protein forms P470A, P507A, P514A, P512A, P519A, P485A.
Identifiers: ClinVar variation 1910413 (VCV001910413.5), dbSNP rs1226405819, ClinGen allele CA376514600.